The following is an entry in ClinVar:

NM_144670.6(A2ML1):c.460A>G (p.Lys154Glu)

Genes: A2ML1 (alpha-2-macroglobulin like 1; plus strand), A2ML1-AS1 (A2ML1 antisense RNA 1; minus strand). Cytogenetic location: 12p13.31.
Variant type: single nucleotide variant.
Coding change: c.460A>G on transcript NM_144670.6 (MANE Select); coding-DNA position 460, A replaced by G.
Protein change: p.Lys154Glu; replaces lysine 154 with glutamic acid.
Molecular consequence: missense variant.
Genome position (GRCh38, 1-based): chr12:8,829,777, A>G. VCF-style: chr12-8829777-A-G. GRCh37 (hg19) VCF-style: chr12-8982373-A-G.
Other names: short protein forms K154E.
Identifiers: ClinVar variation 941821 (VCV000941821.10), dbSNP rs1943050288, ClinGen allele CA383820472.

ClinVar aggregate classification (germline): Uncertain significance (1 of 4 stars; one submission).

Allele frequency attached by ClinVar (database versions not stated): gnomAD exomes below 0.00001.
gnomAD v4.1: 1 of 1,614,114 alleles (0.000062%); highest among the groups gnomAD compares: Admixed American, 0.0017%; no homozygotes.

Submission:

Labcorp Genetics (formerly Invitae), Labcorp
Classification: Uncertain significance. Last evaluated: 2022-12-19. Review status: criteria provided, single submitter. Criteria: Invitae Variant Classification Sherloc (09022015). Collection method: clinical testing. Allele origin: germline.
Comment: This sequence change replaces lysine, which is basic and polar, with glutamic acid, which is acidic and polar, at codon 154 of the A2ML1 protein (p.Lys154Glu). This variant is not present in population databases (gnomAD no frequency). This variant has not been reported in the literature in individuals affected with A2ML1-related conditions. ClinVar contains an entry for this variant (Variation ID: 941821). Algorithms developed to predict the effect of missense changes on protein structure and function (SIFT, PolyPhen-2, Align-GVGD) all suggest that this variant is likely to be tolerated. In summary, the available evidence is currently insufficient to determine the role of this variant in disease. Therefore, it has been classified as a Variant of Uncertain Significance.